The following is an entry in ClinVar:

ClinVar aggregate classification (germline): Conflicting classifications of pathogenicity. Review status: criteria provided, conflicting classifications (1 of 4 stars). 2 submissions from 2 submitters: Uncertain significance (1); Likely benign (1). Last evaluated 2018-01-13.

Conditions:
Multiple acyl-CoA dehydrogenase deficiency (MADD). Also called: Glutaric acidemia type II; GA 2; ETHYLMALONIC-ADIPICACIDURIA; GA II; Glutaric aciduria, type 2; Glutaric Acidemia type 2. Identifiers: Orphanet 26791, MedGen C0268596, MONDO:0009282, OMIM 231680.

Allele frequency attached by ClinVar (database versions not stated): TOPMed 0.00006; 1000 Genomes Project 30x 0.00031; 1000 Genomes Project 0.00040.
gnomAD v4.1: 50 of 1,546,660 alleles (0.0032%); highest among the groups gnomAD compares: East Asian, 0.029%; 1 homozygote.

Submissions (2):

Illumina Laboratory Services, Illumina
Classification: Uncertain significance for Multiple acyl-CoA dehydrogenase deficiency. Last evaluated: 2018-01-13. Review status: criteria provided, single submitter. Criteria: ICSL Variant Classification Criteria 13 December 2019. Collection method: clinical testing. Allele origin: germline.

GeneDx
Classification: Likely benign. Last evaluated: 2015-12-24. Review status: criteria provided, single submitter. Criteria: GeneDx Variant Classification (06012015). Collection method: clinical testing. Allele origin: germline. Affected: yes.
Comment: This variant is considered likely benign or benign based on one or more of the following criteria: it is a conservative change, it occurs at a poorly conserved position in the protein, it is predicted to be benign by multiple in silico algorithms, and/or has population frequency not consistent with disease.

NM_000126.4(ETFA):c.-42C>T

Gene: ETFA (electron transfer flavoprotein subunit alpha; minus strand). Cytogenetic location: 15q24.3.
Variant type: single nucleotide variant.
Coding change: c.-42C>T on transcript NM_000126.4 (MANE Select); 42 bases upstream of the start codon, C replaced by T.
Molecular consequence: 5 prime UTR variant.
Genome position (GRCh38, 1-based): chr15:76,311,430, G>A on the plus strand (C>T on the coding strand, the complement: ETFA is on the minus strand). VCF-style: chr15-76311430-G-A. GRCh37 (hg19) VCF-style: chr15-76603771-G-A.
Other names: c.-42C>T (NM_001127716.2).
Identifiers: ClinVar variation 382219 (VCV000382219.5), dbSNP rs546128998, ClinGen allele CA16606783.
Genomic context (GRCh38, chr15:76,311,430, plus strand): 5'-GAGCCGCCGCTCGGAACATGGTCTCCGCTTCCGCCGCAACCTCGGCCTTACAGCAGCCCC[G>A]TGCCCGGCCAACTGGCGCCGCCTCAGCCAGTCACCTAATGCTCGCGAGACGCGCGAACGA-3'